The following is an entry in ClinVar:

ClinVar aggregate classification (germline): Conflicting classifications of pathogenicity. Review status: criteria provided, conflicting classifications (1 of 4 stars). 3 submissions from 3 submitters: Uncertain significance (2); Likely benign (1). Last evaluated 2026-09-21.

Conditions:
SCN11A-related disorder. Also called: SCN11A-related condition.
Hereditary sensory and autonomic neuropathy type 7. Also called: Neuropathy, hereditary sensory and autonomic, type VII; HSAN VII. Identifiers: Orphanet 391397, MedGen C3809882, MONDO:0014244, OMIM 615548.
Familial episodic pain syndrome with predominantly lower limb involvement. Also called: Episodic pain syndrome, familial, 3. Identifiers: Orphanet 391384, Orphanet 391392, MedGen C3809899, MONDO:0014247, OMIM 615552.
Inborn genetic diseases. Identifiers: MedGen C0950123, MeSH D030342.

Allele frequency attached by ClinVar (database versions not stated): gnomAD exomes 0.00001; TOPMed 0.00001; ExAC 0.00005.
gnomAD v4.1: 6 of 1,613,400 alleles (0.00037%); highest among the groups gnomAD compares: Admixed American, 0.01%; no homozygotes.

Submissions (3):

PreventionGenetics, part of Exact Sciences
Classification: Uncertain significance for SCN11A-related condition. Last evaluated: 2026-09-21. Review status: criteria provided, single submitter. Criteria: ACMG Guidelines, 2015. Collection method: clinical testing. Allele origin: germline.
Comment: The SCN11A c.298A>G variant is predicted to result in the amino acid substitution p.Ile100Val. To our knowledge, this variant has not been reported in the literature. This variant is reported in 0.017% of alleles in individuals of Latino descent in gnomAD. At this time, the clinical significance of this variant is uncertain due to the absence of conclusive functional and genetic evidence.

Labcorp Genetics (formerly Invitae), Labcorp
Classification: Uncertain significance for Familial episodic pain syndrome with predominantly lower limb involvement; Hereditary sensory and autonomic neuropathy type 7. Last evaluated: 2022-12-16. Review status: criteria provided, single submitter. Criteria: Invitae Variant Classification Sherloc (09022015). Collection method: clinical testing. Allele origin: germline.
Comment: In summary, the available evidence is currently insufficient to determine the role of this variant in disease. Therefore, it has been classified as a Variant of Uncertain Significance. Advanced modeling of protein sequence and biophysical properties (such as structural, functional, and spatial information, amino acid conservation, physicochemical variation, residue mobility, and thermodynamic stability) performed at Invitae indicates that this missense variant is not expected to disrupt SCN11A protein function. ClinVar contains an entry for this variant (Variation ID: 1798487). This variant has not been reported in the literature in individuals affected with SCN11A-related conditions. This variant is present in population databases (rs769546986, gnomAD 0.02%). This sequence change replaces isoleucine, which is neutral and non-polar, with valine, which is neutral and non-polar, at codon 100 of the SCN11A protein (p.Ile100Val).

Ambry Genetics
Classification: Likely benign for Inborn genetic diseases. Last evaluated: 2022-05-21. Review status: criteria provided, single submitter. Criteria: Ambry Variant Classification Scheme 2023. Collection method: clinical testing. Allele origin: germline.

NM_001349253.2(SCN11A):c.298A>G (p.Ile100Val)

Gene: SCN11A (sodium voltage-gated channel alpha subunit 11; minus strand). Cytogenetic location: 3p22.2.
Variant type: single nucleotide variant.
Coding change: c.298A>G on transcript NM_001349253.2 (MANE Select); coding-DNA position 298, A replaced by G.
Protein change: p.Ile100Val; replaces isoleucine 100 with valine.
Molecular consequence: missense variant.
Genome position (GRCh38, 1-based): chr3:38,946,877, T>C on the plus strand (A>G on the coding strand, the complement: SCN11A is on the minus strand). VCF-style: chr3-38946877-T-C. GRCh37 (hg19) VCF-style: chr3-38988368-T-C.
Other names: c.298A>G, p.Ile100Val (NM_014139.3); short protein forms I100V.
Identifiers: ClinVar variation 1798487 (VCV001798487.6), dbSNP rs769546986, ClinGen allele CA2322658.
Genomic context (GRCh38, chr3:38,946,877, plus strand): 5'-TTCTGATTGAATTGAAAGGCCCAAAAATGAACAAGGCATGCTTGGCACTGAAGCGGTAGA[T>C]TGTCCTCTTTCTGTTTAACACCATAAATGTCTGCAAAACAAAAAAAACAATACAAGAAAA-3'
Protein context (NP_001336182.1, residues 90-110): TFMVLNRKRT[Ile100Val]YRFSAKHALF